The following is an entry in ClinVar:

NM_005159.5(ACTC1):c.441T>C (p.Ser147=)

Genes: ACTC1 (actin alpha cardiac muscle 1; minus strand), GJD2-DT (GJD2 divergent transcript; plus strand). Cytogenetic location: 15q14.
Variant type: single nucleotide variant.
Coding change: c.441T>C on transcript NM_005159.5 (MANE Select); coding-DNA position 441, T replaced by C.
Protein change: p.Ser147=; no amino-acid change (serine 147 retained).
Molecular consequence: synonymous variant.
Genome position (GRCh38, 1-based): chr15:34,793,258, A>G on the plus strand (T>C on the coding strand, the complement: ACTC1 is on the minus strand). VCF-style: chr15-34793258-A-G. GRCh37 (hg19) VCF-style: chr15-35085459-A-G.
Identifiers: ClinVar variation 1635799 (VCV001635799.11), dbSNP rs1199593688, ClinGen allele CA489655628.

ClinVar aggregate classification (germline): Likely benign. Review status: criteria provided, multiple submitters, no conflicts (2 of 4 stars). 3 submissions from 3 submitters: Likely benign (3). Last evaluated 2024-06-08.

Conditions:
Cardiovascular phenotype. Identifiers: MedGen CN230736.
Hypertrophic cardiomyopathy 11. Also called: ACTC1-Related Familial Hypertrophic Cardiomyopathy. Identifiers: MedGen C2677506, MONDO:0012799, OMIM 612098.
Atrial septal defect 5 (ASD5). Identifiers: Orphanet 1478, MedGen C2748552, MONDO:0013011, OMIM 612794.
Dilated cardiomyopathy 1R (CMD1R). Identifiers: Orphanet 154, Orphanet 54260, MedGen C3150681, MONDO:0013261, OMIM 613424.
Hypertrophic cardiomyopathy. Also called: HYPERTROPHIC MYOCARDIOPATHY. Identifiers: Orphanet 217569, MedGen C0007194, MeSH D002312, MONDO:0005045, HP:0001639.

Allele frequency attached by ClinVar (database versions not stated): gnomAD exomes below 0.00001; gnomAD 0.00001; TOPMed 0.00001.
gnomAD v4.1: 2 of 1,614,002 alleles (0.00012%); highest among the groups gnomAD compares: Admixed American, 0.0033%; no homozygotes.

Submissions (3):

Labcorp Genetics (formerly Invitae), Labcorp
Classification: Likely benign for Dilated cardiomyopathy 1R; Hypertrophic cardiomyopathy 11; Atrial septal defect 5. Last evaluated: 2024-06-08. Review status: criteria provided, single submitter. Criteria: Invitae Variant Classification Sherloc (09022015). Collection method: clinical testing. Allele origin: germline.

All of Us Research Program, National Institutes of Health
Classification: Likely benign for Hypertrophic cardiomyopathy. Last evaluated: 2023-05-04. Review status: criteria provided, single submitter. Criteria: ACMG Guidelines, 2015. Collection method: clinical testing. Allele origin: germline. Inheritance: Autosomal dominant inheritance. Observed: 1 variant allele, 1 heterozygote.
Comment: This study involves interpretation of variants in research participants for the purpose of population health screening. Participant phenotype was not available at the time of variant classification. Additional details can be found in publication PMID: 35346344, PMCID: PMC8962531

Ambry Genetics
Classification: Likely benign for Cardiovascular phenotype. Last evaluated: 2022-05-09. Review status: criteria provided, single submitter. Criteria: Ambry Variant Classification Scheme 2023. Collection method: clinical testing. Allele origin: germline.